The following is an entry in ClinVar:

NM_003995.4(NPR2):c.607T>C (p.Tyr203His)

Gene: NPR2 (natriuretic peptide receptor 2; plus strand). Cytogenetic location: 9p13.3.
Variant type: single nucleotide variant.
Coding change: c.607T>C on transcript NM_003995.4 (MANE Select); coding-DNA position 607, T replaced by C.
Protein change: p.Tyr203His; replaces tyrosine 203 with histidine.
Molecular consequence: missense variant.
Genome position (GRCh38, 1-based): chr9:35,793,015, T>C. VCF-style: chr9-35793015-T-C. GRCh37 (hg19) VCF-style: chr9-35793012-T-C.
Other names: c.607T>C, p.Tyr203His (NM_001378923.1); short protein forms Y203H.
Identifiers: ClinVar variation 2952502 (VCV002952502.3), dbSNP rs2491029670, ClinGen allele CA373365584.

ClinVar aggregate classification (germline): Uncertain significance (1 of 4 stars; one submission).

Conditions:
Acromesomelic dysplasia 1, Maroteaux type (AMD1). Also called: ST. HELENA DYSPLASIA; ACROMESOMELIC DYSPLASIA 1. Identifiers: Orphanet 40, MedGen C1864356, MONDO:0011275, OMIM 602875.
Tall stature-scoliosis-macrodactyly of the great toes syndrome. Also called: Epiphyseal chondrodysplasia, miura type. Identifiers: Orphanet 329191, MedGen C4014690, MONDO:0014401, OMIM 615923.

Submission:

Labcorp Genetics (formerly Invitae), Labcorp
Classification: Uncertain significance for Tall stature-scoliosis-macrodactyly of the great toes syndrome; Acromesomelic dysplasia 1, Maroteaux type. Last evaluated: 2023-10-04. Review status: criteria provided, single submitter. Criteria: Invitae Variant Classification Sherloc (09022015). Collection method: clinical testing. Allele origin: germline.
Comment: This sequence change replaces tyrosine, which is neutral and polar, with histidine, which is basic and polar, at codon 203 of the NPR2 protein (p.Tyr203His). This variant is not present in population databases (gnomAD no frequency). This variant has not been reported in the literature in individuals affected with NPR2-related conditions. Advanced modeling of protein sequence and biophysical properties (such as structural, functional, and spatial information, amino acid conservation, physicochemical variation, residue mobility, and thermodynamic stability) performed at Invitae indicates that this missense variant is not expected to disrupt NPR2 protein function. Algorithms developed to predict the effect of sequence changes on RNA splicing suggest that this variant may create or strengthen a splice site. In summary, the available evidence is currently insufficient to determine the role of this variant in disease. Therefore, it has been classified as a Variant of Uncertain Significance.